The following is an entry in ClinVar:

NM_018671.5(UNC45A):c.30G>A (p.Glu10=)

Genes: UNC45A (unc-45 myosin chaperone A; plus strand), LOC130057954 (ATAC-STARR-seq lymphoblastoid silent region 6833; plus strand). Cytogenetic location: 15q26.1.
Variant type: single nucleotide variant.
Coding change: c.30G>A on transcript NM_018671.5 (MANE Select); coding-DNA position 30, G replaced by A.
Protein change: p.Glu10=; no amino-acid change (glutamic acid 10 retained).
Molecular consequence: synonymous variant. On other transcripts: 5 prime UTR variant (1), intron variant (2).
Genome position (GRCh38, 1-based): chr15:90,935,354, G>A. VCF-style: chr15-90935354-G-A. GRCh37 (hg19) VCF-style: chr15-91478584-G-A.
Other names: c.30G>A, p.Glu10= (NM_001323619.1); c.-554G>A (NM_001323620.2); c.6+24G>A (NM_001039675.2, NM_001323621.2).
Identifiers: ClinVar variation 1579767 (VCV001579767.9), dbSNP rs775770883, ClinGen allele CA7742378.

ClinVar aggregate classification (germline): Likely benign. Review status: criteria provided, multiple submitters, no conflicts (2 of 4 stars). 2 submissions from 2 submitters: Likely benign (2). Last evaluated 2026-07-28.

Conditions:
UNC45A-related disorder. Also called: UNC45A-related condition.

gnomAD v4.1: 16 of 1,602,944 alleles (0.001%); highest among the groups gnomAD compares: Admixed American, 0.025%; no homozygotes.

Submissions (2):

PreventionGenetics, part of Exact Sciences
Classification: Likely benign for UNC45A-related condition. Last evaluated: 2026-07-28. Review status: criteria provided, single submitter. Criteria: ACMG Guidelines, 2015. Collection method: clinical testing. Allele origin: germline.
Comment: This variant is classified as likely benign based on ACMG/AMP sequence variant interpretation guidelines (Richards et al. 2015 PMID: 25741868, with internal and published modifications).

Labcorp Genetics (formerly Invitae), Labcorp
Classification: Likely benign. Last evaluated: 2026-01-06. Review status: criteria provided, single submitter. Criteria: Invitae Variant Classification Sherloc (09022015). Collection method: clinical testing. Allele origin: germline.